The following is an entry in ClinVar:

NM_000023.4(SGCA):c.221G>C (p.Arg74Pro)

Gene: SGCA (sarcoglycan alpha; plus strand). Cytogenetic location: 17q21.33.
Variant type: single nucleotide variant.
Coding change: c.221G>C on transcript NM_000023.4 (MANE Select); coding-DNA position 221, G replaced by C.
Protein change: p.Arg74Pro; replaces arginine 74 with proline.
Molecular consequence: missense variant. On other transcripts: non-coding transcript variant (1).
Genome position (GRCh38, 1-based): chr17:50,167,645, G>C. VCF-style: chr17-50167645-G-C. GRCh37 (hg19) VCF-style: chr17-48245006-G-C.
Other names: c.221G>C, p.Arg74Pro (NM_001135697.3); short protein forms R74P.
Identifiers: ClinVar variation 1482622 (VCV001482622.6), dbSNP rs779439298, ClinGen allele CA400177466.

ClinVar aggregate classification (germline): Likely pathogenic (1 of 4 stars; one submission).

Conditions:
Autosomal recessive limb-girdle muscular dystrophy type 2D (LGMDR3). Also called: ADHALINOPATHY, PRIMARY; MUSCULAR DYSTROPHY, LIMB-GIRDLE, AUTOSOMAL RECESSIVE 3; DUCHENNE-LIKE AUTOSOMAL RECESSIVE MUSCULAR DYSTROPHY, TYPE 2. Identifiers: Orphanet 62, MedGen C2936332, MONDO:0011968, OMIM 608099. Disease mechanism: Affects gamma-sarcoglycan and also disrupts the integrity of the entire sarcoglycan complex..

Submission:

Labcorp Genetics (formerly Invitae), Labcorp
Classification: Likely pathogenic for Autosomal recessive limb-girdle muscular dystrophy type 2D. Last evaluated: 2021-10-02. Review status: criteria provided, single submitter. Criteria: Invitae Variant Classification Sherloc (09022015). Collection method: clinical testing. Allele origin: germline.
Comment: In summary, the currently available evidence indicates that the variant is pathogenic, but additional data are needed to prove that conclusively. Therefore, this variant has been classified as Likely Pathogenic. This variant disrupts the p.Arg74 amino acid residue in SGCA. Other variant(s) that disrupt this residue have been determined to be pathogenic (Invitae). This suggests that this residue is clinically significant, and that variants that disrupt this residue are likely to be disease-causing. Advanced modeling of protein sequence and biophysical properties (such as structural, functional, and spatial information, amino acid conservation, physicochemical variation, residue mobility, and thermodynamic stability) performed at Invitae indicates that this missense variant is expected to disrupt SGCA protein function. This variant has not been reported in the literature in individuals affected with SGCA-related conditions. This variant is not present in population databases (ExAC no frequency). This sequence change replaces arginine with proline at codon 74 of the SGCA protein (p.Arg74Pro). The arginine residue is moderately conserved and there is a moderate physicochemical difference between arginine and proline.